The following is an entry in ClinVar:

ClinVar aggregate classification (germline): Uncertain significance (1 of 4 stars; one submission).

Submission:

Labcorp Genetics (formerly Invitae), Labcorp
Classification: Uncertain significance. Last evaluated: 2023-06-06. Review status: criteria provided, single submitter. Criteria: Invitae Variant Classification Sherloc (09022015). Collection method: clinical testing. Allele origin: germline.
Comment: This variant has not been reported in the literature in individuals affected with A4GALT-related conditions. This variant is not present in population databases (gnomAD no frequency). This sequence change replaces proline, which is neutral and non-polar, with histidine, which is basic and polar, at codon 74 of the A4GALT protein (p.Pro74His). An algorithm developed to predict the effect of missense changes on protein structure and function (PolyPhen-2) suggests that this variant is likely to be tolerated. In summary, the available evidence is currently insufficient to determine the role of this variant in disease. Therefore, it has been classified as a Variant of Uncertain Significance.

NM_017436.7(A4GALT):c.221C>A (p.Pro74His)

Gene: A4GALT (alpha 1,4-galactosyltransferase (P1PK blood group); minus strand). Cytogenetic location: 22q13.2.
Variant type: single nucleotide variant.
Coding change: c.221C>A on transcript NM_017436.7 (MANE Select); coding-DNA position 221, C replaced by A.
Protein change: p.Pro74His; replaces proline 74 with histidine.
Molecular consequence: missense variant.
Genome position (GRCh38, 1-based): chr22:42,693,731, G>T on the plus strand (C>A on the coding strand, the complement: A4GALT is on the minus strand). VCF-style: chr22-42693731-G-T. GRCh37 (hg19) VCF-style: chr22-43089737-G-T.
Other names: c.221C>A, p.Pro74His (NM_001318038.3); short protein forms P74H.
Identifiers: ClinVar variation 2696706 (VCV002696706.3), dbSNP rs1245466396, ClinGen allele CA411812784.
Genomic context (GRCh38, chr22:42,693,731, plus strand): 5'-AACAGGAAGTTGGGGTTGGTCCGGTCTGAAGTCTCCAGGAAGAAGATGTTGCCTGGAGTG[G>T]GGCCGTGGGAGGGTGGGGTGGGGGGTGTCAAGGTGGGGCAGGGGATCTCTGCTGGCAGGT-3'
Protein context (NP_059132.1, residues 64-84): LTPPTPPSHG[Pro74His]TPGNIFFLET